The following is an entry in ClinVar:

ClinVar aggregate classification (germline): Uncertain significance (1 of 4 stars; one submission).

Allele frequency attached by ClinVar (database versions not stated): gnomAD exomes below 0.00001.
gnomAD v4.1: 1 of 1,613,972 alleles (0.000062%); highest among the groups gnomAD compares: Non-Finnish European, 0.000085%; no homozygotes.

Submission:

CeGaT Center for Human Genetics Tuebingen
Classification: Uncertain significance. Last evaluated: 2023-10-01. Review status: criteria provided, single submitter. Criteria: CeGaT Center For Human Genetics Tuebingen Variant Classification Criteria Version 2. Collection method: clinical testing. Allele origin: germline. Affected: yes. Observed: 1 variant allele.
Comment: SCN8A: PM2, PM5, PP3, BS2

NM_014191.4(SCN8A):c.655C>G (p.Leu219Val)

Gene: SCN8A (sodium voltage-gated channel alpha subunit 8; plus strand). Cytogenetic location: 12q13.13.
Variant type: single nucleotide variant.
Coding change: c.655C>G on transcript NM_014191.4 (MANE Plus Clinical); coding-DNA position 655, C replaced by G.
Protein change: p.Leu219Val; replaces leucine 219 with valine.
Molecular consequence: missense variant. On other transcripts: intron variant (2).
Genome position (GRCh38, 1-based): chr12:51,688,798, C>G. VCF-style: chr12-51688798-C-G. GRCh37 (hg19) VCF-style: chr12-52082582-C-G.
Other names: c.655C>G, p.Leu219Val (NM_001177984.3); c.615-207C>G (NM_001330260.2, NM_001369788.1); short protein forms L219V.
Identifiers: ClinVar variation 2642998 (VCV002642998.24), dbSNP rs2540158635, ClinGen allele CA385223871.
Genomic context (GRCh38, chr12:51,688,798, plus strand): 5'-ACTTTGGTTTGATTCTGCAGGTATATAACAGAGTTTGTAAACCTAGGCAATGTTTCAGCT[C>G]TACGCACTTTCAGGGTACTGAGGGCTTTGAAAACTATTTCGGTAATCCCAGGTAAGATGG-3'
Protein context (NP_055006.1, residues 209-229): EFVNLGNVSA[Leu219Val]RTFRVLRALK